The following is an entry in ClinVar:

ClinVar aggregate classification (germline): Uncertain significance. Review status: criteria provided, multiple submitters, no conflicts (2 of 4 stars). 3 submissions from 3 submitters: Uncertain significance (2). 1 of the submissions does not count toward it. Last evaluated 2024-06-06.

Conditions:
Dystrophin deficiency.
Cardiomyopathy (CMYO). Also called: Cardiomyopathies. Identifiers: Orphanet 167848, MedGen C0878544, MONDO:0004994, HP:0001638. Inheritance: Various modes of inheritance.
Becker muscular dystrophy (BMD). Also called: Becker Muscular Dystrophy (BMD); MUSCULAR DYSTROPHY, PSEUDOHYPERTROPHIC PROGRESSIVE, BECKER TYPE. Identifiers: Orphanet 98895, MedGen C0917713, MONDO:0010311, OMIM 300376.
Duchenne muscular dystrophy (DMD). Also called: Duchenne Muscular Dystrophy (DMD); MUSCULAR DYSTROPHY, PSEUDOHYPERTROPHIC PROGRESSIVE, DUCHENNE TYPE. Identifiers: Orphanet 98896, MedGen C0013264, MONDO:0010679, OMIM 310200.

Allele frequency attached by ClinVar (database versions not stated): gnomAD exomes below 0.00001 and 0.00001.
gnomAD v4.1: 1 of 1,203,752 alleles (0.000083%); highest among the groups gnomAD compares: Admixed American, 0.0022%; no homozygotes.

Submissions (3):

Revvity Omics, Revvity
Classification: Uncertain significance. Last evaluated: 2024-06-06. Review status: criteria provided, single submitter. Criteria: ACMG Guidelines, 2015. Collection method: clinical testing. Allele origin: germline.

Labcorp Genetics (formerly Invitae), Labcorp
Classification: Uncertain significance for Duchenne muscular dystrophy. Last evaluated: 2022-10-03. Review status: criteria provided, single submitter. Criteria: Invitae Variant Classification Sherloc (09022015). Collection method: clinical testing. Allele origin: germline.
Comment: This sequence change replaces histidine, which is basic and polar, with tyrosine, which is neutral and polar, at codon 1170 of the DMD protein (p.His1170Tyr). The frequency data for this variant in the population databases is considered unreliable, as metrics indicate poor data quality at this position in the gnomAD database. This variant has not been reported in the literature in individuals affected with DMD-related conditions. ClinVar contains an entry for this variant (Variation ID: 565355). Advanced modeling of protein sequence and biophysical properties (such as structural, functional, and spatial information, amino acid conservation, physicochemical variation, residue mobility, and thermodynamic stability) performed at Invitae indicates that this missense variant is not expected to disrupt DMD protein function. Algorithms developed to predict the effect of sequence changes on RNA splicing suggest that this variant may create or strengthen a splice site. In summary, the available evidence is currently insufficient to determine the role of this variant in disease. Therefore, it has been classified as a Variant of Uncertain Significance.

Natera, Inc.
Classification: Uncertain significance for Becker muscular dystrophy; Cardiomyopathy; Duchenne muscular dystrophy; Dystrophin deficiency. Last evaluated: 2018-08-31. Review status: no assertion criteria provided. Collection method: clinical testing. Allele origin: germline. Not counted in ClinVar's aggregate classification.

NM_004006.3(DMD):c.3508C>T (p.His1170Tyr)

Gene: DMD (dystrophin; minus strand). Cytogenetic location: Xp21.1.
Variant type: single nucleotide variant.
Coding change: c.3508C>T on transcript NM_004006.3 (MANE Select); coding-DNA position 3508, C replaced by T.
Protein change: p.His1170Tyr; replaces histidine 1170 with tyrosine.
Molecular consequence: missense variant.
Genome position (GRCh38, 1-based): chrX:32,454,757, G>A on the plus strand (C>T on the coding strand, the complement: DMD is on the minus strand). VCF-style: chrX-32454757-G-A. GRCh37 (hg19) VCF-style: chrX-32472874-G-A.
Other names: c.3484C>T, p.His1162Tyr (NM_000109.4); c.3496C>T, p.His1166Tyr (NM_004009.3); c.3139C>T, p.His1047Tyr (NM_004010.3); short protein forms H1170Y, H1047Y, H1166Y, H1162Y.
Identifiers: ClinVar variation 565355 (VCV000565355.7), dbSNP rs1210629851, ClinGen allele CA412663246.
Genomic context (GRCh38, chrX:32,454,757, plus strand): 5'-GAGTTTTATATTCAAAATCTCTCTCAAGATACTCTTCTTCAGCTTGTGTCATCCATTCGT[G>A]CATCTCTGATAGATCTTTCTGGAGGCTTACAGTTTTCTCCAAACCTCCCTTCAAGGCCTC-3'
Protein context (NP_003997.2, residues 1160-1180): VSLQKDLSEM[His1170Tyr]EWMTQAEEEY